The following is an entry in ClinVar:

NM_000051.4(ATM):c.2735A>T (p.Gln912Leu)

Gene: ATM (ATM serine/threonine kinase; plus strand). Cytogenetic location: 11q22.3.
Variant type: single nucleotide variant.
Coding change: c.2735A>T on transcript NM_000051.4 (MANE Select); coding-DNA position 2735, A replaced by T.
Protein change: p.Gln912Leu; replaces glutamine 912 with leucine.
Molecular consequence: missense variant.
Genome position (GRCh38, 1-based): chr11:108,268,506, A>T. VCF-style: chr11-108268506-A-T. GRCh37 (hg19) VCF-style: chr11-108139233-A-T.
Other names: c.2735A>T, p.Gln912Leu (NM_001351834.2); short protein forms Q912L.
Identifiers: ClinVar variation 821735 (VCV000821735.9), dbSNP rs730881353, ClinGen allele CA382545371.

ClinVar aggregate classification (germline): Uncertain significance. Review status: criteria provided, multiple submitters, no conflicts (2 of 4 stars). 3 submissions from 3 submitters: Uncertain significance (3). Last evaluated 2024-01-25.

Conditions:
Hereditary cancer-predisposing syndrome. Also called: Hereditary Cancer Syndrome; Neoplastic Syndromes, Hereditary; Hereditary neoplastic syndrome; Tumor predisposition. Identifiers: Orphanet 140162, MedGen C0027672, MeSH D009386, MONDO:0015356.
Ataxia-telangiectasia syndrome (AT). Also called: Cerebello-oculocutaneous telangiectasia; Immunodeficiency with ataxia telangiectasia; Ataxia-telangiectasia, complementation group E; Ataxia-telangiectasia, complementation group D; AT, COMPLEMENTATION GROUP C; ATAXIA-TELANGIECTASIA, COMPLEMENTATION GROUP A. Identifiers: Orphanet 100, MedGen C0004135, MONDO:0008840, OMIM 208900.

Submissions (3):

Labcorp Genetics (formerly Invitae), Labcorp
Classification: Uncertain significance for Ataxia-telangiectasia syndrome. Last evaluated: 2024-01-25. Review status: criteria provided, single submitter. Criteria: Invitae Variant Classification Sherloc (09022015). Collection method: clinical testing. Allele origin: germline.
Comment: This sequence change replaces glutamine, which is neutral and polar, with leucine, which is neutral and non-polar, at codon 912 of the ATM protein (p.Gln912Leu). This variant is not present in population databases (gnomAD no frequency). This variant has not been reported in the literature in individuals affected with ATM-related conditions. ClinVar contains an entry for this variant (Variation ID: 821735). Algorithms developed to predict the effect of missense changes on protein structure and function output the following: SIFT: "Not Available"; PolyPhen-2: "Benign"; Align-GVGD: "Not Available". The leucine amino acid residue is found in multiple mammalian species, which suggests that this missense change does not adversely affect protein function. Algorithms developed to predict the effect of sequence changes on RNA splicing suggest that this variant may create or strengthen a splice site. In summary, the available evidence is currently insufficient to determine the role of this variant in disease. Therefore, it has been classified as a Variant of Uncertain Significance.

Ambry Genetics
Classification: Uncertain significance for Hereditary cancer-predisposing syndrome. Last evaluated: 2018-12-15. Review status: criteria provided, single submitter. Criteria: Ambry Variant Classification Scheme 2023. Collection method: clinical testing. Allele origin: germline.
Comment: The p.Q912L variant (also known as c.2735A>T), located in coding exon 17 of the ATM gene, results from an A to T substitution at nucleotide position 2735. The glutamine at codon 912 is replaced by leucine, an amino acid with dissimilar properties. This amino acid position is well conserved in available vertebrate species. In addition, this alteration is predicted to be tolerated by in silico analysis. Since supporting evidence is limited at this time, the clinical significance of this alteration remains unclear.

Color Diagnostics, LLC DBA Color Health
Classification: Uncertain significance for Hereditary cancer-predisposing syndrome. Last evaluated: 2018-12-11. Review status: criteria provided, single submitter. Criteria: ACMG Guidelines, 2015. Collection method: clinical testing. Allele origin: germline.